The following is an entry in ClinVar:

NM_015466.4(PTPN23):c.888C>T (p.Asp296=)

Gene: PTPN23 (protein tyrosine phosphatase non-receptor type 23; plus strand). Cytogenetic location: 3p21.31.
Variant type: single nucleotide variant.
Coding change: c.888C>T on transcript NM_015466.4 (MANE Select); coding-DNA position 888, C replaced by T.
Protein change: p.Asp296=; no amino-acid change (aspartic acid 296 retained).
Molecular consequence: synonymous variant.
Genome position (GRCh38, 1-based): chr3:47,407,332, C>T. VCF-style: chr3-47407332-C-T. GRCh37 (hg19) VCF-style: chr3-47448822-C-T.
Other names: c.510C>T, p.Asp170= (NM_001304482.2).
Identifiers: ClinVar variation 1576523 (VCV001576523.35), dbSNP rs150349408, ClinGen allele CA2365542.
Genomic context (GRCh38, chr3:47,407,332, plus strand): 5'-TAGTGCTAAGGCCCCACCCCTGTCCCTAACCCCACAGGGCCAGCCTGACACTGTGCAAGA[C>T]GCGCTTCGCTTCACTATGGATGTCATTGGGGGAAAGTGAGTCTGTGGGGGTGGCCCTGGT-3'
Protein context (NP_056281.1, residues 286-306): LAKGQPDTVQ[Asp296=]ALRFTMDVIG

ClinVar aggregate classification (germline): Likely benign. Review status: criteria provided, multiple submitters, no conflicts (2 of 4 stars). 2 submissions from 2 submitters: Likely benign (2). Last evaluated 2025-12-05.

Allele frequency attached by ClinVar (database versions not stated): TOPMed 0.00007; gnomAD 0.00011; ESP Exome Variant Server 0.00015.
gnomAD v4.1: 41 of 1,613,904 alleles (0.0025%); highest among the groups gnomAD compares: African/African-American, 0.035%; no homozygotes.

Submissions (2):

Labcorp Genetics (formerly Invitae), Labcorp
Classification: Likely benign. Last evaluated: 2025-12-05. Review status: criteria provided, single submitter. Criteria: Invitae Variant Classification Sherloc (09022015). Collection method: clinical testing. Allele origin: germline.

CeGaT Center for Human Genetics Tuebingen
Classification: Likely benign. Last evaluated: 2023-05-01. Review status: criteria provided, single submitter. Criteria: CeGaT Center For Human Genetics Tuebingen Variant Classification Criteria Version 2. Collection method: clinical testing. Allele origin: germline. Affected: yes. Observed: 1 variant allele.
Comment: PTPN23: BP4, BP7